The following is an entry in ClinVar:

NM_000535.7(PMS2):c.856G>C (p.Asp286His)

Gene: PMS2 (PMS1 homolog 2, mismatch repair system component; minus strand). Cytogenetic location: 7p22.1.
Variant type: single nucleotide variant.
Coding change: c.856G>C on transcript NM_000535.7 (MANE Select); coding-DNA position 856, G replaced by C.
Protein change: p.Asp286His; replaces aspartic acid 286 with histidine.
Molecular consequence: missense variant. On other transcripts: 5 prime UTR variant (2), non-coding transcript variant (1).
Genome position (GRCh38, 1-based): chr7:5,995,581, C>G on the plus strand (G>C on the coding strand, the complement: PMS2 is on the minus strand). VCF-style: chr7-5995581-C-G. GRCh37 (hg19) VCF-style: chr7-6035212-C-G.
Other names: c.451G>C, p.Asp151His (NM_001018040.1, NM_001322003.2, NM_001322004.2 and 20 more transcripts); c.856G>C, p.Asp286His (NM_001322006.2, NM_001322014.2, NM_001406870.1 and 2 more transcripts); c.538G>C, p.Asp180His (NM_001322007.2, NM_001322008.2, NM_001406876.1 and 4 more transcripts); c.-78G>C (NM_001322011.2, NM_001322012.2); c.283G>C, p.Asp95His (NM_001322013.2, NM_001406909.1); c.547G>C, p.Asp183His (NM_001322015.2, NM_001406875.1, NM_001406877.1 and 6 more transcripts); c.1042G>C, p.Asp348His (NM_001406866.1); c.880G>C, p.Asp294His (NM_001406868.1); and 4 more; short protein forms D115H, D174H, D180H, D183H, D250H, D230H, D95H, D286H.
Identifiers: ClinVar variation 1763892 (VCV001763892.7), dbSNP rs2128775520, ClinGen allele CA366743484.

ClinVar aggregate classification (germline): Uncertain significance. Review status: criteria provided, multiple submitters, no conflicts (2 of 4 stars). 2 submissions from 2 submitters: Uncertain significance (2). Last evaluated 2023-09-01.

Conditions:
Hereditary nonpolyposis colorectal neoplasms. Identifiers: MedGen C0009405, MeSH D003123.
Hereditary cancer-predisposing syndrome. Also called: Neoplastic Syndromes, Hereditary; Tumor predisposition; Hereditary Cancer Syndrome; Hereditary neoplastic syndrome. Identifiers: Orphanet 140162, MedGen C0027672, MeSH D009386, MONDO:0015356.

Allele frequency attached by ClinVar (database versions not stated): gnomAD 0.00001.
gnomAD v4.1: 1 of 1,614,066 alleles (0.000062%); highest among the groups gnomAD compares: African/African-American, 0.0013%; no homozygotes.

Submissions (2):

Labcorp Genetics (formerly Invitae), Labcorp
Classification: Uncertain significance for Hereditary nonpolyposis colorectal neoplasms. Last evaluated: 2023-09-01. Review status: criteria provided, single submitter. Criteria: Invitae Variant Classification Sherloc (09022015). Collection method: clinical testing. Allele origin: germline.
Comment: In summary, the available evidence is currently insufficient to determine the role of this variant in disease. Therefore, it has been classified as a Variant of Uncertain Significance. Advanced modeling of protein sequence and biophysical properties (such as structural, functional, and spatial information, amino acid conservation, physicochemical variation, residue mobility, and thermodynamic stability) performed at Invitae indicates that this missense variant is expected to disrupt PMS2 protein function. ClinVar contains an entry for this variant (Variation ID: 1763892). This variant has not been reported in the literature in individuals affected with PMS2-related conditions. This variant is not present in population databases (gnomAD no frequency). This sequence change replaces aspartic acid, which is acidic and polar, with histidine, which is basic and polar, at codon 286 of the PMS2 protein (p.Asp286His).

Ambry Genetics
Classification: Uncertain significance for Hereditary cancer-predisposing syndrome. Last evaluated: 2021-05-13. Review status: criteria provided, single submitter. Criteria: Ambry Variant Classification Scheme 2023. Collection method: clinical testing. Allele origin: germline.
Comment: The p.D286H variant (also known as c.856G>C), located in coding exon 8 of the PMS2 gene, results from a G to C substitution at nucleotide position 856. The aspartic acid at codon 286 is replaced by histidine, an amino acid with similar properties. This amino acid position is not well conserved in available vertebrate species. In addition, this alteration is predicted to be deleterious by in silico analysis. Since supporting evidence is limited at this time, the clinical significance of this alteration remains unclear.